The following is an entry in ClinVar:

NM_006231.4(POLE):c.6518_6519del (p.Ser2173fs)

Gene: POLE (DNA polymerase epsilon, catalytic subunit; minus strand). Cytogenetic location: 12q24.33.
Variant type: Microsatellite.
Coding change: c.6518_6519del on transcript NM_006231.4 (MANE Select); coding-DNA positions 6518 to 6519, 2 bases deleted (CT; older notation c.6518_6519delCT).
Protein change: p.Ser2173fs; shifts the reading frame from serine 2173.
Molecular consequence: frameshift variant.
Genome position (GRCh38, 1-based): chr12:132,626,129-132,626,130, AG deleted on the plus strand (CT on the coding strand, the reverse complement: POLE is on the minus strand); deleting any 2 consecutive bases within chr12:132,626,129-132,626,132 gives the same sequence; the c. name uses the placement nearest the transcript's 3' end. VCF-style (leftmost placement, unchanged base first): chr12-132626128-AAG-A. GRCh37 (hg19) VCF-style: chr12-133202714-AAG-A.
Other names: c.6518_6519delCT (NM_006231.3); short protein forms S2173fs.
Identifiers: ClinVar variation 405609 (VCV000405609.23), dbSNP rs774417192, ClinGen allele CA6892160.

ClinVar aggregate classification (germline): Conflicting classifications of pathogenicity. Review status: criteria provided, conflicting classifications (1 of 4 stars). 6 submissions from 6 submitters: Likely pathogenic (1); Uncertain significance (4). 1 of the submissions does not count toward it. Last evaluated 2026-05-26.

Conditions:
POLE-related disorder. Also called: POLE-related disorders; POLE-related condition.
Hereditary cancer-predisposing syndrome. Also called: Neoplastic Syndromes, Hereditary; Tumor predisposition; Hereditary Cancer Syndrome; Hereditary neoplastic syndrome. Identifiers: Orphanet 140162, MedGen C0027672, MeSH D009386, MONDO:0015356.
Colorectal cancer, susceptibility to, 12 (CRCS12). Also called: COLORECTAL CANCER, SUSCEPTIBILITY TO, ON CHROMOSOME 12q24. Identifiers: Orphanet 220460, MedGen C3554460, MONDO:0014038, OMIM 615083.

Submissions (6):

Ambry Genetics
Classification: Uncertain significance for Hereditary cancer-predisposing syndrome. Last evaluated: 2026-05-26. Review status: criteria provided, single submitter. Criteria: Ambry Variant Classification Scheme 2023. Collection method: clinical testing. Allele origin: germline.
Comment: The c.6518_6519delCT (p.S2173Ffs*130) alteration, located in exon 46 (coding exon 46) of the POLE gene, consists of a deletion of 2 nucleotides from position 6518 to 6519, causing a translational frameshift with a predicted alternate stop codon after 130 amino acids. Frameshift alterations are typically deleterious in nature (Richards, 2015). Based on data from gnomAD, the -- allele has an overall frequency of 0.004% (8/230954) total alleles studied. The highest observed frequency was 0.008% (8/103090) of European (non-Finnish) alleles. Based on insufficient or conflicting evidence, the clinical significance of this alteration remains unclear.

Labcorp Genetics (formerly Invitae), Labcorp
Classification: Uncertain significance. Last evaluated: 2025-11-17. Review status: criteria provided, single submitter. Criteria: Invitae Variant Classification Sherloc (09022015). Collection method: clinical testing. Allele origin: germline.
Comment: This sequence change is expected to alter the c-terminus of the POLE protein (p.Ser2173Phefs*130). While this is not anticipated to result in nonsense mediated decay, it is expected to disrupt the last 114 amino acid(s) of the POLE protein and extend the protein by 15 additional amino acid residues. This variant is present in population databases (rs774417192, gnomAD 0.009%). This frameshift has been observed in individual(s) with clinical features of FILS syndrome (PMID: 30503519). In at least one individual the data is consistent with being in trans (on the opposite chromosome) from a pathogenic variant. ClinVar contains an entry for this variant (Variation ID: 405609). Experimental studies and prediction algorithms are not available or were not evaluated, and the functional significance of this variant is currently unknown. In summary, the available evidence is currently insufficient to determine the role of this variant in disease. Therefore, it has been classified as a Variant of Uncertain Significance.

PreventionGenetics, part of Exact Sciences
Classification: Likely pathogenic for POLE-related condition. Last evaluated: 2025-09-07. Review status: criteria provided, single submitter. Criteria: ACMG Guidelines, 2015. Collection method: clinical testing. Allele origin: germline.
Comment: The POLE c.6518_6519delCT variant is predicted to result in a frameshift and premature protein termination (p.Ser2173Phefs*130). This variant was reported along with a second causative variant in an individual with IMAGE-I syndrome (Nakano et al. 2022. PubMed ID: 35534205). This variant is reported in 0.0078% of alleles in individuals of European (Non-Finnish) descent in gnomAD. Pathogenic variants in POLE leading to loss of POLE protein function have been reported in individuals with autosomal recessive intrauterine growth retardation, metaphyseal dysplasia, adrenal hypoplasia congenita, genital anomalies, and immunodeficiency (IMAGe-I) syndrome (Pachlopnik Schmid et al. 2012. PubMed ID: 23230001; Thiffault et al. 2015. PubMed ID: 25948378; Long et al. 2018. PubMed ID: 30503519; Nakano et al. 2022. PubMed ID: 35534205). This variant is interpreted as likely pathogenic for autosomal recessive IMAGe-I syndrome and as a variant of uncertain significance for autosomal dominant POLE-associated disorders.

Women's Health and Genetics/Laboratory Corporation of America, LabCorp
Classification: Uncertain significance. Last evaluated: 2022-12-02. Review status: criteria provided, single submitter. Criteria: LabCorp Variant Classification Summary - May 2015. Collection method: clinical testing. Allele origin: germline.
Comment: Variant summary: POLE c.6518_6519delCT (p.Ser2173PhefsX130) causes a frameshift which is expected to disrupt the last 114 amino acids and result in an extension of the protein. The variant allele was found at a frequency of 3.5e-05 in 230954 control chromosomes. The available data on variant occurrences in the general population are insufficient to allow any conclusion about variant significance. c.6518_6519delCT has been reported in the literature in individuals affected with Intrauterine Growth Retardation, Metaphyseal Dysplasia, Adrenal Hypoplasia Congenita, Genital Anomalies, And Immunodeficiency( Logan_2018). This supporting data is currently insufficient to allow any conclusion about variant significance. To our knowledge, no experimental evidence demonstrating an impact on protein function has been reported. Five clinical diagnostic laboratories have submitted clinical-significance assessments for this variant to ClinVar after 2014 without evidence for independent evaluation. All laboratories classified the variant as uncertain significance. Based on the evidence outlined above, the variant was classified as uncertain significance.

GeneDx
Classification: Uncertain significance. Last evaluated: 2018-07-26. Review status: criteria provided, single submitter. Criteria: GeneDx Variant Classification (06012015). Collection method: clinical testing. Allele origin: germline. Affected: yes.
Comment: This deletion of two nucleotides in POLE is denoted c.6518_6519delCT at the cDNA level and p.Ser2173PhefsX130 (S2173FfsX130) at the protein level. The normal sequence, with the bases that are deleted in braces, is GACT[CT]TCCT. The deletion causes a frameshift which changes a Serine to a Phenylalanine at codon 2173 in exon 46 of the POLE gene, and results in an extension of the protein. The last 114 amino acids are replaced by 129 incorrect amino acids, disrupting a region that contains the Zinc finger domain (Tahirov 2009). Since the clinical significance of this extension is unclear, we consider c.6518_6519delCT to be a variant of uncertain significance.

Counsyl
Classification: Uncertain significance for Colorectal cancer, susceptibility to, 12. Last evaluated: 2017-11-10. Review status: no assertion criteria provided. Collection method: clinical testing. Allele origin: unknown. Not counted in ClinVar's aggregate classification.

Literature cited by the submitters: PubMed 30503519 (cited by Labcorp Genetics (formerly Invitae), Labcorp and Women's Health and Genetics/Laboratory Corporation of America, LabCorp); PubMed 35071000 (cited by Women's Health and Genetics/Laboratory Corporation of America, LabCorp).